The following is an entry in ClinVar:

NM_000089.4(COL1A2):c.70+9C>T

Gene: COL1A2 (collagen type I alpha 2 chain; plus strand). Cytogenetic location: 7q21.3.
Variant type: single nucleotide variant.
Coding change: c.70+9C>T on transcript NM_000089.4 (MANE Select); 9 bases into the intron after coding-DNA position 70, C replaced by T.
Molecular consequence: intron variant.
Genome position (GRCh38, 1-based): chr7:94,395,110, C>T. VCF-style: chr7-94395110-C-T. GRCh37 (hg19) VCF-style: chr7-94024422-C-T.
Identifiers: ClinVar variation 2682526 (VCV002682526.2), dbSNP rs2484686702, ClinGen allele CA913127996.

ClinVar aggregate classification (germline): Likely benign. Review status: criteria provided, multiple submitters, no conflicts (2 of 4 stars). 2 submissions from 2 submitters: Likely benign (2). Last evaluated 2026-01-24.

Conditions:
Ehlers-Danlos syndrome, classic type, 1 (EDSCL1). Also called: EHLERS-DANLOS SYNDROME, GRAVIS TYPE; EHLERS-DANLOS SYNDROME, SEVERE CLASSIC TYPE; Ehlers-Danlos syndrome, type 1; Ehlers-Danlos Syndrome, Classic Type, COL5A1-Related; EDS I. Identifiers: MedGen C0268335, MONDO:0019567, OMIM 130000.
Osteogenesis imperfecta type I (OI1). Also called: OI, TYPE I; OSTEOGENESIS IMPERFECTA TARDA; OSTEOGENESIS IMPERFECTA WITH BLUE SCLERAE; Osteogenesis imperfecta type 1; Classic Non-deforming Osteogenesis Imperfecta with Blue Sclerae; Lobstein's Disease. Identifiers: Orphanet 216796, Orphanet 666, MedGen C0023931, MONDO:0008146, OMIM 166200. Disease mechanism: loss of function.

Allele frequency attached by ClinVar (database versions not stated): gnomAD exomes below 0.00001.
gnomAD v4.1: 1 of 1,613,446 alleles (0.000062%); highest among the groups gnomAD compares: East Asian, 0.0022%; no homozygotes.

Submissions (2):

Labcorp Genetics (formerly Invitae), Labcorp
Classification: Likely benign for Osteogenesis imperfecta type I; Ehlers-Danlos syndrome, classic type, 1. Last evaluated: 2026-01-24. Review status: criteria provided, single submitter. Criteria: Invitae Variant Classification Sherloc (09022015). Collection method: clinical testing. Allele origin: germline.

Women's Health and Genetics/Laboratory Corporation of America, LabCorp
Classification: Likely benign. Last evaluated: 2023-11-15. Review status: criteria provided, single submitter. Criteria: LabCorp Variant Classification Summary - May 2015. Collection method: clinical testing. Allele origin: germline.
Comment: Variant summary: COL1A2 c.70+9C>T alters a non-conserved nucleotide located at a position not widely known to affect splicing. Consensus agreement among computation tools predict no significant impact on normal splicing. However, these predictions have yet to be confirmed by functional studies. The variant was absent in 250490 control chromosomes (gnomAD). The available data on variant occurrences in the general population are insufficient to allow any conclusion about variant significance. To our knowledge, no occurrence of c.70+9C>T in individuals affected with Ehlers-Danlos Syndrome and no experimental evidence demonstrating its impact on protein function have been reported. No submitters have cited clinical-significance assessments for this variant to ClinVar after 2014. Based on the evidence outlined above, the variant was classified as likely benign.